The following is an entry in ClinVar:

NM_032802.4(SPPL2A):c.920G>A (p.Arg307Gln)

Gene: SPPL2A (signal peptide peptidase like 2A; minus strand). Cytogenetic location: 15q21.2.
Variant type: single nucleotide variant.
Coding change: c.920G>A on transcript NM_032802.4 (MANE Select); coding-DNA position 920, G replaced by A.
Protein change: p.Arg307Gln; replaces arginine 307 with glutamine.
Molecular consequence: missense variant.
Genome position (GRCh38, 1-based): chr15:50,736,113, C>T on the plus strand (G>A on the coding strand, the complement: SPPL2A is on the minus strand). VCF-style: chr15-50736113-C-T. GRCh37 (hg19) VCF-style: chr15-51028310-C-T.
Other names: short protein forms R307Q.
Identifiers: ClinVar variation 1958775 (VCV001958775.5), dbSNP rs768668639, ClinGen allele CA7558376.

ClinVar aggregate classification (germline): Uncertain significance (1 of 4 stars; one submission).

Allele frequency attached by ClinVar (database versions not stated): ExAC 0.00001; gnomAD 0.00001; TOPMed 0.00001.
gnomAD v4.1: 7 of 1,604,946 alleles (0.00044%); highest among the groups gnomAD compares: African/African-American, 0.0013%; no homozygotes.

Submission:

Labcorp Genetics (formerly Invitae), Labcorp
Classification: Uncertain significance. Last evaluated: 2025-01-18. Review status: criteria provided, single submitter. Criteria: Invitae Variant Classification Sherloc (09022015). Collection method: clinical testing. Allele origin: germline.
Comment: This sequence change replaces arginine, which is basic and polar, with glutamine, which is neutral and polar, at codon 307 of the SPPL2A protein (p.Arg307Gln). The frequency data for this variant in the population databases is considered unreliable, as metrics indicate poor data quality at this position in the gnomAD database. This variant has not been reported in the literature in individuals affected with SPPL2A-related conditions. ClinVar contains an entry for this variant (Variation ID: 1958775). An algorithm developed to predict the effect of missense changes on protein structure and function (PolyPhen-2) suggests that this variant is likely to be tolerated. In summary, the available evidence is currently insufficient to determine the role of this variant in disease. Therefore, it has been classified as a Variant of Uncertain Significance.